The following is an entry in ClinVar:

NM_000094.4(COL7A1):c.58_70del (p.Arg20fs)

Gene: COL7A1 (collagen type VII alpha 1 chain; minus strand). Cytogenetic location: 3p21.31.
Variant type: Deletion.
Coding change: c.58_70del on transcript NM_000094.4 (MANE Select); coding-DNA positions 58 to 70, 13 bases deleted (CGAGTGCGAGCCC).
Protein change: p.Arg20fs; shifts the reading frame from arginine 20.
Molecular consequence: frameshift variant.
Genome position (GRCh38, 1-based): chr3:48,595,090-48,595,102, GGGCTCGCACTCG deleted on the plus strand (CGAGTGCGAGCCC on the coding strand, the reverse complement: COL7A1 is on the minus strand); deleting any 13 consecutive bases within chr3:48,595,090-48,595,106 gives the same sequence; the c. name uses the placement nearest the transcript's 3' end. VCF-style (leftmost placement, unchanged base first): chr3-48595089-TGGGCTCGCACTCG-T. GRCh37 (hg19) VCF-style: chr3-48632522-TGGGCTCGCACTCG-T.
Other names: c.58_70delCGAGTGCGAGCCC (NM_000094.3); c.58_70del13 (NM_000094.4); short protein forms R20fs.
Identifiers: ClinVar variation 1047934 (VCV001047934.8), dbSNP rs2045987838, ClinGen allele CA1363089654.

ClinVar aggregate classification (germline): Pathogenic. Review status: criteria provided, multiple submitters, no conflicts (2 of 4 stars). 6 submissions from 6 submitters: Pathogenic (6). Last evaluated 2026-08-06.

Conditions:
Epidermolysis bullosa dystrophica. Also called: Dystrophic epidermolysis bullosa, Hallopeau-Siemens type (formerly); Dystrophic epidermolysis bullosa. Identifiers: Orphanet 303, MedGen C0079294, MONDO:0006543.
Transient bullous dermolysis of the newborn (TBDN). Also called: DYSTROPHIC EPIDERMOLYSIS BULLOSA, NEONATAL; EPIDERMOLYSIS BULLOSA DYSTROPHICA, NEONATAL FORM. Identifiers: Orphanet 79411, MedGen C1851573, MONDO:0007548, OMIM 131705.
Recessive dystrophic epidermolysis bullosa (RDEB). Also called: Recessive DEB (RDEB); Epidermolysis Bullosa Distrophica Autosomal Recessive (RDEB); DYSTROPHIC EPIDERMOLYSIS BULLOSA, AUTOSOMAL RECESSIVE; EPIDERMOLYSIS BULLOSA DYSTROPHICA, HALLOPEAU-SIEMENS TYPE; EPIDERMOLYSIS BULLOSA DYSTROPHICA, GENERALIZED SEVERE, AUTOSOMAL RECESSIVE; epidermolysis bullosa dystrophica, autosomal recessive. Identifiers: Orphanet 79408, Orphanet 79409, MedGen C0079474, MONDO:0009179, OMIM 226600.
Generalized dominant dystrophic epidermolysis bullosa (DDEB). Also called: Dominant DEB (DDEB); DDEB, generalized; DDEB-gen; DYSTROPHIC EPIDERMOLYSIS BULLOSA, AUTOSOMAL DOMINANT; Epidermolysis bullosa dystrophica, autosomal dominant. Identifiers: Orphanet 231568, MedGen C0432322, MONDO:0007549, OMIM 131750.
Pretibial dystrophic epidermolysis bullosa. Also called: EPIDERMOLYSIS BULLOSA DYSTROPHICA, PRETIBIAL; Pretibial blistering; Pretibial epidermolysis bullosa. Identifiers: Orphanet 79410, MedGen C0432321, MONDO:0007552, OMIM 131850, HP:0012221.
Dominant dystrophic epidermolysis bullosa with absence of skin. Also called: EPIDERMOLYSIS BULLOSA WITH CONGENITAL LOCALIZED ABSENCE OF SKIN AND DEFORMITY OF NAILS; EPIDERMOLYSIS BULLOSA DYSTROPHICA, BART TYPE. Identifiers: MedGen C0268371, MONDO:0007557, OMIM 132000.
Nonsyndromic congenital nail disorder 8. Also called: TOENAIL DYSTROPHY, ISOLATED. Identifiers: MedGen C1843761, MONDO:0011852, OMIM 607523.
Epidermolysis bullosa pruriginosa. Also called: DEB, PRURIGINOSA; DYSTROPHIC EPIDERMOLYSIS BULLOSA PRURIGINOSA. Identifiers: Orphanet 89843, MedGen C1275114, MONDO:0011398, OMIM 604129.

Submissions (6):

OLLIN Analises Genomicas, OLLIN
Classification: Pathogenic for Transient bullous dermolysis of the newborn. Last evaluated: 2026-08-06. Review status: criteria provided, single submitter. Criteria: ACMG Guidelines 2015 PMID 25741868. Collection method: clinical testing. Allele origin: germline. Inheritance: Autosomal recessive inheritance.
Comment: This frameshift variant, located in exon 2 (of 119), is absent from gnomAD but has been reported in ClinVar (accession VCV001047934.6) and in the scientific literature in individuals with COL7A1 related disorders (PMID: 31001817). This variant causes a frameshift and introduces a premature stop codon, which is predicted to result in either a truncated protein or degradation of the mRNA via nonsense-mediated decay (NMD). According to the currently available evidence, this variant has been classified as pathogenic (PVS1, PS4_P, PM2_P).

Dasa
Classification: Pathogenic. Last evaluated: 2024-07-08. Review status: criteria provided, single submitter. Criteria: DASA Assertion Criteria. Collection method: clinical testing. Allele origin: germline.
Comment: NM_000094.4(COL7A1):c.58_70del (p.Arg20Serfs*6) is a frameshift variant in COL7A1 predicted to alter the reading frame and introduce a premature termination codon and is predicted to result in an absent or altered protein product. Loss of function is an established disease mechanism for COL7A1-associated disorders. This variant has been reported in individuals with COL7A1-related disorders. Also, this variant is rare in population databases. Based on the currently available evidence, this variant is classified as pathogenic.

Natera, Inc.
Classification: Pathogenic for Dystrophic epidermolysis bullosa. Last evaluated: 2024-06-13. Review status: criteria provided, single submitter. Criteria: Natera Variant Classification Schema (03/2026). Collection method: clinical testing. Allele origin: germline.
Comment: The c.58_70delCGAGTGCGAGCCC variant in COL7A1 is a frameshift variant predicted to shift the reading frame beginning at codon 20 and leads to a stop codon 6 codons downstream. This variant is expected to result in nonsense mediated decay, truncation, or a dysfunctional protein product. This variant is rare in the general population with a frequency below the threshold expected for the associated phenotype(s). This variant has been observed in one or more individuals affected with the associated recessive disease, as either homozygous or compound heterozygous with a second variant (PMID: 20184583). Given the available evidence, this variant is classified as Pathogenic.

Laboratorio de Genetica e Diagnostico Molecular, Hospital Israelita Albert Einstein
Classification: Pathogenic for Generalized dominant dystrophic epidermolysis bullosa; Recessive dystrophic epidermolysis bullosa. Last evaluated: 2022-02-09. Review status: criteria provided, single submitter. Criteria: ACMG Guidelines, 2015. Collection method: clinical testing. Allele origin: germline. Affected: yes.
Comment: ACMG classification criteria: PVS1 very strong, PS4 moderate, PM2 moderate, PM3 strong, PP1 supporting, PP1

Fulgent Genetics
Classification: Pathogenic for Transient bullous dermolysis of the newborn; Generalized dominant dystrophic epidermolysis bullosa; Pretibial dystrophic epidermolysis bullosa; Dominant dystrophic epidermolysis bullosa with absence of skin; Recessive dystrophic epidermolysis bullosa; Epidermolysis bullosa pruriginosa; Nonsyndromic congenital nail disorder 8. Last evaluated: 2021-12-15. Review status: criteria provided, single submitter. Criteria: ACMG Guidelines, 2015. Collection method: clinical testing. Allele origin: unknown.

Biomedical Innovation Departament, CIEMAT
Classification: Pathogenic for Dystrophic epidermolysis bullosa. Last evaluated: 2008-11-04. Review status: criteria provided, single submitter. Criteria: ACMG Guidelines, 2015. Collection method: research. Allele origin: germline. Affected: yes. Observed: 1 variant allele.

Literature cited by the submitters: PubMed 31001817 (cited by OLLIN Analises Genomicas, OLLIN); PubMed 20184583 (cited by Natera, Inc.); PubMed 19694005 (cited by Biomedical Innovation Departament, CIEMAT).